The following is an entry in ClinVar:

ClinVar aggregate classification (germline): Conflicting classifications of pathogenicity. Review status: criteria provided, conflicting classifications (1 of 4 stars). 6 submissions from 6 submitters: Uncertain significance (1); Likely benign (5). Last evaluated 2025-07-02.

Conditions:
Familial ovarian cancer. Identifiers: MedGen C5679802, MONDO:0016248.
Hereditary cancer-predisposing syndrome. Also called: Neoplastic Syndromes, Hereditary; Hereditary neoplastic syndrome; Tumor predisposition; Hereditary Cancer Syndrome. Identifiers: Orphanet 140162, MedGen C0027672, MeSH D009386, MONDO:0015356.
Fanconi anemia complementation group O. Also called: RAD51C-Related Fanconi Anemia. Identifiers: Orphanet 84, MedGen C3150653, MONDO:0013248, OMIM 613390.
Breast-ovarian cancer, familial, susceptibility to, 3. Also called: RAD51C-Related Breast/Ovarian Cancer. Identifiers: Orphanet 145, MedGen C3150659, MONDO:0013253, OMIM 613399.

Allele frequency attached by ClinVar (database versions not stated): gnomAD exomes below 0.00001 and 0.00001; TOPMed below 0.00001; gnomAD 0.00001.
gnomAD v4.1: 9 of 1,609,514 alleles (0.00056%); highest among the groups gnomAD compares: East Asian, 0.0022%; no homozygotes.

Submissions (6):

Labcorp Genetics (formerly Invitae), Labcorp
Classification: Likely benign for Fanconi anemia complementation group O. Last evaluated: 2025-07-02. Review status: criteria provided, single submitter. Criteria: Invitae Variant Classification Sherloc (09022015). Collection method: clinical testing. Allele origin: germline.

Myriad Genetics, Inc.
Classification: Likely benign for Breast-ovarian cancer, familial, susceptibility to, 3. Last evaluated: 2025-02-19. Review status: criteria provided, single submitter. Criteria: Myriad Autosomal Dominant, Autosomal Recessive and X-Linked Classification Criteria (2023). Collection method: clinical testing. Allele origin: unknown.
Comment: This variant is considered likely benign. This variant is intronic and is not expected to impact mRNA splicing.

Molecular Pathology, Peter Maccallum Cancer Centre
Classification: Likely benign for Familial ovarian cancer. Last evaluated: 2024-02-12. Review status: criteria provided, single submitter. Criteria: ACMG Guidelines, 2015. Collection method: clinical testing. Allele origin: germline. Inheritance: Autosomal dominant inheritance.

Sema4
Classification: Uncertain significance for Hereditary cancer-predisposing syndrome. Last evaluated: 2021-08-19. Review status: criteria provided, single submitter. Criteria: Sema4 Curation Guidelines. Collection method: curation. Allele origin: germline.
Comment: The RAD51C c.966-12T>C variant has not been reported in the literature to our knowledge. It was observed in 1/18394 chromosomes of the East Asian subpopulation in the large and broad cohorts of the Genome Aggregation Database (PMID: 32461654) and has been reported in ClinVar (Variation ID 387929). In silico tools suggest the variant does not affect splicing, though these predictions have not been confirmed by functional studies. The evidence is insufficient to meet ACMG/AMP criteria for classifying the variant as benign or pathogenic. Thus, the clinical significance of this variant is currently uncertain.

Color Diagnostics, LLC DBA Color Health
Classification: Likely benign for Hereditary cancer-predisposing syndrome. Last evaluated: 2017-06-08. Review status: criteria provided, single submitter. Criteria: ACMG Guidelines, 2015. Collection method: clinical testing. Allele origin: germline.

GeneDx
Classification: Likely benign. Last evaluated: 2016-07-21. Review status: criteria provided, single submitter. Criteria: GeneDx Variant Classification (06012015). Collection method: clinical testing. Allele origin: germline. Affected: yes.
Comment: This variant is considered likely benign or benign based on one or more of the following criteria: it is a conservative change, it occurs at a poorly conserved position in the protein, it is predicted to be benign by multiple in silico algorithms, and/or has population frequency not consistent with disease.

NM_058216.3(RAD51C):c.966-12T>C

Gene: RAD51C (RAD51 paralog C; plus strand). Cytogenetic location: 17q22.
Variant type: single nucleotide variant.
Coding change: c.966-12T>C on transcript NM_058216.3 (MANE Select); 12 bases into the intron before coding-DNA position 966, T replaced by C.
Molecular consequence: intron variant.
Genome position (GRCh38, 1-based): chr17:58,732,472, T>C. VCF-style: chr17-58732472-T-C. GRCh37 (hg19) VCF-style: chr17-56809833-T-C.
Other names: c.966-12T>C (LRG_314t1).
Identifiers: ClinVar variation 387929 (VCV000387929.14), dbSNP rs1057522948, ClinGen allele CA16608562.